The following is an entry in ClinVar:

NM_021098.3(CACNA1H):c.4223+5G>A

Gene: CACNA1H (calcium voltage-gated channel subunit alpha1 H; plus strand). Cytogenetic location: 16p13.3.
Variant type: single nucleotide variant.
Coding change: c.4223+5G>A on transcript NM_021098.3 (MANE Select); 5 bases into the intron after coding-DNA position 4223, G replaced by A.
Molecular consequence: intron variant.
Genome position (GRCh38, 1-based): chr16:1,210,976, G>A. VCF-style: chr16-1210976-G-A. GRCh37 (hg19) VCF-style: chr16-1260976-G-A.
Other names: c.4223+5G>A (NM_001005407.2).
Identifiers: ClinVar variation 1411305 (VCV001411305.6), dbSNP rs776869097, ClinGen allele CA7801185.

ClinVar aggregate classification (germline): Uncertain significance (1 of 4 stars; one submission).

Conditions:
Idiopathic generalized epilepsy. Also called: Generalised epilepsy; EIG. Identifiers: MedGen C0270850, MONDO:0005579, OMIM 600669.
Hyperaldosteronism, familial, type IV (HALD4). Also called: FH IV; ALDOSTERONISM, PRIMARY, AND HYPERTENSION. Identifiers: Orphanet 642671, MedGen C4310756, MONDO:0014875, OMIM 617027.

Allele frequency attached by ClinVar (database versions not stated): gnomAD exomes below 0.00001 and 0.00001; ExAC 0.00001.
gnomAD v4.1: 3 of 1,592,440 alleles (0.00019%); highest among the groups gnomAD compares: South Asian, 0.0033%; no homozygotes.

Submission:

Labcorp Genetics (formerly Invitae), Labcorp
Classification: Uncertain significance for Idiopathic generalized epilepsy; Hyperaldosteronism, familial, type IV. Last evaluated: 2021-02-22. Review status: criteria provided, single submitter. Criteria: Invitae Variant Classification Sherloc (09022015). Collection method: clinical testing. Allele origin: germline.
Comment: In summary, the available evidence is currently insufficient to determine the role of this variant in disease. Therefore, it has been classified as a Variant of Uncertain Significance. Nucleotide substitutions within the consensus splice site are a relatively common cause of aberrant splicing (PMID: 17576681, 9536098). Algorithms developed to predict the effect of sequence changes on RNA splicing suggest that this variant may disrupt the consensus splice site, but this prediction has not been confirmed by published transcriptional studies. This variant has not been reported in the literature in individuals with CACNA1H-related conditions. This variant is present in population databases (rs776869097, ExAC 0.007%). This sequence change falls in intron 21 of the CACNA1H gene. It does not directly change the encoded amino acid sequence of the CACNA1H protein. It affects a nucleotide within the consensus splice site of the intron.

Literature cited by the submitters: PubMed 17576681; PubMed 9536098.